The following is an entry in ClinVar:

NM_138694.4(PKHD1):c.667G>A (p.Gly223Ser)

Gene: PKHD1 (PKHD1 ciliary IPT domain containing fibrocystin/polyductin; minus strand). Cytogenetic location: 6p12.2.
Variant type: single nucleotide variant.
Coding change: c.667G>A on transcript NM_138694.4 (MANE Select); coding-DNA position 667, G replaced by A.
Protein change: p.Gly223Ser; replaces glycine 223 with serine.
Molecular consequence: missense variant.
Genome position (GRCh38, 1-based): chr6:52,071,006, C>T on the plus strand (G>A on the coding strand, the complement: PKHD1 is on the minus strand). VCF-style: chr6-52071006-C-T. GRCh37 (hg19) VCF-style: chr6-51935804-C-T.
Other names: c.667G>A (NM_170724.2); c.667G>A, p.Gly223Ser (NM_170724.3); short protein forms G223S.
Identifiers: ClinVar variation 813394 (VCV000813394.21), dbSNP rs749454235, ClinGen allele CA3853829.

ClinVar aggregate classification (germline): Pathogenic/Likely pathogenic. Review status: criteria provided, multiple submitters, no conflicts (2 of 4 stars). 7 submissions from 7 submitters: Pathogenic (1); Likely pathogenic (6). Last evaluated 2026-08-06.

Conditions:
PKHD1-related disorder. Also called: PKHD1-related condition.
Autosomal recessive polycystic kidney disease (ARPKD). Also called: AR polycystic kidney disease. Identifiers: Orphanet 731, Orphanet 8378, MedGen C0085548, MeSH D017044, MONDO:0009889.

Allele frequency attached by ClinVar (database versions not stated): gnomAD exomes 0.00002; ExAC 0.00001; gnomAD 0.00001.
gnomAD v4.1: 24 of 1,577,202 alleles (0.0015%); highest among the groups gnomAD compares: Non-Finnish European, 0.0017%; no homozygotes.

Submissions (7):

GeneDx
Classification: Likely pathogenic. Last evaluated: 2026-08-06. Review status: criteria provided, single submitter. Criteria: GeneDx Variant Classification Process June 2021. Collection method: clinical testing. Allele origin: germline.
Comment: Not observed at significant frequency in large population cohorts (gnomAD); In silico analysis supports that this missense variant has a deleterious effect on protein structure/function; In silico analysis is inconclusive as to whether the variant alters gene splicing. In the absence of RNA/functional studies, the actual effect of this sequence change is unknown.; This variant is associated with the following publications: (PMID: 25525159, 14741187, 27225849, 12506140, 32939031, 15805161)

Labcorp Genetics (formerly Invitae), Labcorp
Classification: Likely pathogenic for Autosomal recessive polycystic kidney disease. Last evaluated: 2026-01-24. Review status: criteria provided, single submitter. Criteria: Invitae Variant Classification Sherloc (09022015). Collection method: clinical testing. Allele origin: germline.
Comment: This sequence change affects codon 223 of the PKHD1 mRNA. It is a 'silent' change, meaning that it does not change the encoded amino acid sequence of the PKHD1 protein. This variant also falls at the last nucleotide of exon 9, which is part of the consensus splice site for this exon. This variant is present in population databases (rs749454235, gnomAD 0.003%). This variant has been observed in individual(s) with autosomal recessive polycystic kidney disease (PMID: 12506140; internal data). In at least one individual the data is consistent with being in trans (on the opposite chromosome) from a pathogenic variant. ClinVar contains an entry for this variant (Variation ID: 813394). An algorithm developed to predict the effect of missense changes on protein structure and function (PolyPhen-2) suggests that this variant is likely to be disruptive. Variants that disrupt the consensus splice site are a relatively common cause of aberrant splicing (PMID: 17576681, 9536098). In summary, the currently available evidence indicates that the variant is pathogenic, but additional data are needed to prove that conclusively. Therefore, this variant has been classified as Likely Pathogenic.

Natera, Inc.
Classification: Likely pathogenic for Autosomal recessive polycystic kidney disease. Last evaluated: 2026-01-05. Review status: criteria provided, single submitter. Criteria: Natera Variant Classification Schema (03/2026). Collection method: clinical testing. Allele origin: germline.
Comment: The c.667G>A variant in PKHD1 is a missense variant predicted to cause substitution of glycine to serine at amino acid 223. This variant is rare in the general population with a frequency below the threshold expected for the associated phenotype(s). This variant has been observed in one or more individuals affected with the associated recessive disease, as either homozygous or compound heterozygous with a second variant (PMID: 32939031). Additionally, this variant has been observed to segregate in affected family members (PMID: 12506140). Computational prediction algorithms indicate this variant is likely to affect gene or protein function. Given the available evidence, this variant is classified as Likely Pathogenic.

PreventionGenetics, part of Exact Sciences
Classification: Likely pathogenic for PKHD1-related condition. Last evaluated: 2025-12-12. Review status: criteria provided, single submitter. Criteria: ACMG Guidelines, 2015. Collection method: clinical testing. Allele origin: germline.
Comment: The PKHD1 c.667G>A variant is predicted to result in the amino acid substitution p.Gly223Ser. This variant has been reported in the homozygous state (maternally and paternally inherited) in multiple members affected by autosomal recessive polycystic kidney disease (ARPKD) from a family (Bergmann et al. 2003. PubMed ID: 12506140) and in another individual with ARPKD but the second causative variant was not found (Melchionda et al. 2016. PubMed ID: 27225849). This variant is located at the last base of exon 9 and is predicted to significantly weaken the splice donor site signal based on available splicing prediction programs (SpliceAI, Jaganathan et al. 2019. PubMed ID: 30661751). However, the use of computer prediction programs is not equivalent to functional evidence. This variant is reported in 0.0035% of alleles in individuals of European (non-Finnish) descent in gnomAD and is consistently classified as likely pathogenic or pathogenic in ClinVar (Variation ID: ID: 813394). This variant is interpreted as likely pathogenic.

Women's Health and Genetics/Laboratory Corporation of America, LabCorp
Classification: Pathogenic for Autosomal recessive polycystic kidney disease. Last evaluated: 2025-06-13. Review status: criteria provided, single submitter. Criteria: LabCorp Variant Classification Summary - May 2015. Collection method: clinical testing. Allele origin: germline.
Comment: Variant summary: PKHD1 c.667G>A (p.Gly223Ser) results in a non-conservative amino acid change in the encoded protein sequence. Algorithms developed to predict the effect of missense changes on protein structure and function all suggest that this variant is likely to be disruptive. Several computational tools predict a significant impact on normal splicing: One predict the variant abolishes a canonical 5' splicing donor site. However, these predictions have yet to be confirmed by functional studies. The variant allele was found at a frequency of 2e-05 in 250824 control chromosomes. c.667G>A has been observed in multiple individuals affected with Polycystic Kidney And Hepatic Disease (example: Bergmann_2003, Melchionda_2016, Internal data). These data indicate that the variant is very likely to be associated with disease. The following publications have been ascertained in the context of this evaluation (PMID: 12506140, 27225849, 15805161). ClinVar contains an entry for this variant (Variation ID: 813394). Based on the evidence outlined above, the variant was classified as pathogenic.

Laboratory of Genetics, Children's Clinical University Hospital Latvia
Classification: Likely pathogenic. Last evaluated: 2025-02-16. Review status: criteria provided, single submitter. Criteria: ACMG Guidelines, 2015. Collection method: clinical testing. Allele origin: germline. Affected: yes.

Baylor Genetics
Classification: Likely pathogenic for Polycystic kidney disease 4. Review status: criteria provided, single submitter. Criteria: ACMG Guidelines, 2015. Collection method: clinical testing. Allele origin: germline.

Literature cited by the submitters: PubMed 12506140 (cited by 3 submitters); PubMed 17576681 (cited by Labcorp Genetics (formerly Invitae), Labcorp); PubMed 9536098 (cited by Labcorp Genetics (formerly Invitae), Labcorp); PubMed 32939031 (cited by Natera, Inc.); PubMed 15805161 (cited by Women's Health and Genetics/Laboratory Corporation of America, LabCorp); PubMed 27225849 (cited by Women's Health and Genetics/Laboratory Corporation of America, LabCorp).